The following is an entry in ClinVar:

NM_001099922.3(ALG13):c.1476G>C (p.Gln492His)

Gene: ALG13 (ALG13 UDP-N-acetylglucosaminyltransferase subunit; plus strand). Cytogenetic location: Xq23.
Variant type: single nucleotide variant.
Coding change: c.1476G>C on transcript NM_001099922.3 (MANE Select); coding-DNA position 1476, G replaced by C.
Protein change: p.Gln492His; replaces glutamine 492 with histidine.
Molecular consequence: missense variant. On other transcripts: intron variant (1).
Genome position (GRCh38, 1-based): chrX:111,722,833, G>C. VCF-style: chrX-111722833-G-C. GRCh37 (hg19) VCF-style: chrX-110966061-G-C.
Other names: c.1164G>C, p.Gln388His (NM_001257230.2, NM_001257234.2, NM_001257237.2); c.1242G>C, p.Gln414His (NM_001257231.2); c.1476G>C, p.Gln492His (NM_001324292.2); c.1015-965G>C (NM_001324293.1); c.1476G>C (NM_001099922.2); short protein forms Q388H, Q492H, Q414H.
Identifiers: ClinVar variation 578971 (VCV000578971.9), dbSNP rs760560180, ClinGen allele CA10493720.
Genomic context (GRCh38, chrX:111,722,833, plus strand): 5'-TCTTCATTTTCTTTTAATAGAACTTCAAAAATCTGATTACATGGAGTATGCTGGGAGACA[G>C]TACTATTTGGGAGACAAGTGTCAGGTTAGTTCCTTCTTCAAGAATCAGTAATTTTTTTAA-3'
Protein context (NP_001093392.1, residues 482-502): KSDYMEYAGR[Gln492His]YYLGDKCQVC

ClinVar aggregate classification (germline): Uncertain significance. Review status: criteria provided, multiple submitters, no conflicts (2 of 4 stars). 3 submissions from 3 submitters: Uncertain significance (3). Last evaluated 2024-04-20.

Conditions:
Developmental and epileptic encephalopathy, 36 (DEE36). Also called: Epileptic encephalopathy, early infantile, 36; ALG13-CDG; Congenital disorder of glycosylation, type Is. Identifiers: Orphanet 324422, MedGen C4317295, MONDO:0010472, OMIM 300884.

Allele frequency attached by ClinVar (database versions not stated): gnomAD exomes below 0.00001 and 0.00002; ExAC 0.00002.

Submissions (3):

GeneDx
Classification: Uncertain significance. Last evaluated: 2024-04-20. Review status: criteria provided, single submitter. Criteria: GeneDx Variant Classification Process June 2021. Collection method: clinical testing. Allele origin: germline. Affected: yes.
Comment: In silico analysis supports that this missense variant has a deleterious effect on protein structure/function; Has not been previously published as pathogenic or benign to our knowledge

Fulgent Genetics
Classification: Uncertain significance for Developmental and epileptic encephalopathy, 36. Last evaluated: 2022-03-28. Review status: criteria provided, single submitter. Criteria: ACMG Guidelines, 2015. Collection method: clinical testing. Allele origin: unknown.

Labcorp Genetics (formerly Invitae), Labcorp
Classification: Uncertain significance for Developmental and epileptic encephalopathy, 36. Last evaluated: 2021-08-30. Review status: criteria provided, single submitter. Criteria: Invitae Variant Classification Sherloc (09022015). Collection method: clinical testing. Allele origin: germline.
Comment: This sequence change replaces glutamine with histidine at codon 492 of the ALG13 protein (p.Gln492His). The glutamine residue is moderately conserved and there is a small physicochemical difference between glutamine and histidine. This variant is present in population databases (rs760560180, ExAC 0.02%). This variant has not been reported in the literature in individuals affected with ALG13-related conditions. Algorithms developed to predict the effect of missense changes on protein structure and function output the following: SIFT: "Tolerated"; PolyPhen-2: "Benign"; Align-GVGD: "Class C0". The histidine amino acid residue is found in multiple mammalian species, which suggests that this missense change does not adversely affect protein function. In summary, the available evidence is currently insufficient to determine the role of this variant in disease. Therefore, it has been classified as a Variant of Uncertain Significance.